The following is an entry in ClinVar:

ClinVar aggregate classification (germline): Uncertain significance (0 of 4 stars; one submission).

Conditions:
SEMA3F-related disorder. Also called: SEMA3F-related condition.

Submission:

PreventionGenetics, part of Exact Sciences
Classification: Uncertain significance for SEMA3F-related condition. Last evaluated: 2024-09-16. Review status: no assertion criteria provided. Collection method: clinical testing. Allele origin: germline.
Comment: The SEMA3F c.1769G>A variant is predicted to result in the amino acid substitution p.Arg590Gln. To our knowledge, this variant has not been reported in the literature or in large population databases. At this time, the clinical significance of this variant is uncertain due to the absence of conclusive functional and genetic evidence.

NM_004186.5(SEMA3F):c.1769G>A (p.Arg590Gln)

Gene: SEMA3F (semaphorin 3F; plus strand). Cytogenetic location: 3p21.31.
Variant type: single nucleotide variant.
Coding change: c.1769G>A on transcript NM_004186.5 (MANE Select); coding-DNA position 1769, G replaced by A.
Protein change: p.Arg590Gln; replaces arginine 590 with glutamine.
Molecular consequence: missense variant.
Genome position (GRCh38, 1-based): chr3:50,186,304, G>A. VCF-style: chr3-50186304-G-A. GRCh37 (hg19) VCF-style: chr3-50223737-G-A.
Other names: c.1472G>A, p.Arg491Gln (NM_001318798.2); c.1676G>A, p.Arg559Gln (NM_001318800.2); short protein forms R491Q, R559Q, R590Q.
Identifiers: ClinVar variation 3345620 (VCV003345620.1).
Genomic context (GRCh38, chr3:50,186,304, plus strand): 5'-TCCTGGGAGCACTCCTTCAGGGGCTATCCTCATCCAGGCGGAGCCGCCGGCAGGACGTCC[G>A]GCACGGAAACCCCATCAGGCAGTGCCGTGGGTTCAACTCCAATGGTGAGTATGCTGGGCC-3'
Protein context (NP_004177.3, residues 580-600): SKRRSRRQDV[Arg590Gln]HGNPIRQCRG